The following is an entry in ClinVar:

NM_001123385.2(BCOR):c.2396A>G (p.Lys799Arg)

Gene: BCOR (BCL6 corepressor; minus strand). Cytogenetic location: Xp11.4.
Variant type: single nucleotide variant.
Coding change: c.2396A>G on transcript NM_001123385.2 (MANE Select); coding-DNA position 2396, A replaced by G.
Protein change: p.Lys799Arg; replaces lysine 799 with arginine.
Molecular consequence: missense variant.
Genome position (GRCh38, 1-based): chrX:40,072,950, T>C on the plus strand (A>G on the coding strand, the complement: BCOR is on the minus strand). VCF-style: chrX-40072950-T-C. GRCh37 (hg19) VCF-style: chrX-39932203-T-C.
Other names: c.2396A>G, p.Lys799Arg (NM_001123383.2, NM_001123384.2, NM_017745.6); short protein forms K799R.
Identifiers: ClinVar variation 2081550 (VCV002081550.5), dbSNP rs769227489, ClinGen allele CA10386796.
Genomic context (GRCh38, chrX:40,072,950, plus strand): 5'-GTGTCAGTTTTAGCATCTGGTTCTTCTCGGAGAAGGTCTACGTAGACAAGCTTGTCGCTT[T>C]TGACAACAGTCTTCCCTTGATTCCAGTTGGGGTTCGGCTTTAGGTTCTTGTCGGTGGGGA-3'
Protein context (NP_001116857.1, residues 789-809): PNWNQGKTVV[Lys799Arg]SDKLVYVDLL

ClinVar aggregate classification (germline): Uncertain significance. Review status: criteria provided, multiple submitters, no conflicts (2 of 4 stars). 2 submissions from 2 submitters: Uncertain significance (2). Last evaluated 2025-11-06.

Conditions:
Oculofaciocardiodental syndrome (MCOPS2). Identifiers: Orphanet 2712, MedGen C1846265, MONDO:0010261, OMIM 300166.
Inborn genetic diseases. Identifiers: MedGen C0950123, MeSH D030342.

Allele frequency attached by ClinVar (database versions not stated): ExAC 0.00001; gnomAD exomes 0.00001; gnomAD 0.00006; TOPMed 0.00015.
gnomAD v4.1: 20 of 1,209,970 alleles (0.0017%); highest among the groups gnomAD compares: Admixed American, 0.022%; no homozygotes.

Submissions (2):

Labcorp Genetics (formerly Invitae), Labcorp
Classification: Uncertain significance for Oculofaciocardiodental syndrome. Last evaluated: 2025-11-06. Review status: criteria provided, single submitter. Criteria: Invitae Variant Classification Sherloc (09022015). Collection method: clinical testing. Allele origin: germline.
Comment: This sequence change replaces lysine, which is basic and polar, with arginine, which is basic and polar, at codon 799 of the BCOR protein (p.Lys799Arg). This variant is present in population databases (rs769227489, gnomAD 0.01%). This variant has not been reported in the literature in individuals affected with BCOR-related conditions. ClinVar contains an entry for this variant (Variation ID: 2081550). An algorithm developed to predict the effect of missense changes on protein structure and function (PolyPhen-2) suggests that this variant is likely to be tolerated. In summary, the available evidence is currently insufficient to determine the role of this variant in disease. Therefore, it has been classified as a Variant of Uncertain Significance.

Ambry Genetics
Classification: Uncertain significance for Inborn genetic diseases. Last evaluated: 2020-12-29. Review status: criteria provided, single submitter. Criteria: Ambry Variant Classification Scheme 2023. Collection method: clinical testing. Allele origin: germline.
Comment: The c.2396A>G (p.K799R) alteration is located in exon 4 (coding exon 3) of the BCOR gene. This alteration results from a A to G substitution at nucleotide position 2396, causing the lysine (K) at amino acid position 799 to be replaced by an arginine (R). The p.K799R alteration is predicted to be tolerated by in silico analysis. Based on insufficient or conflicting evidence, the clinical significance of this alteration remains unclear.